The following is an entry in ClinVar:

ClinVar aggregate classification (germline): Uncertain significance. Review status: criteria provided, multiple submitters, no conflicts (2 of 4 stars). 2 submissions from 2 submitters: Uncertain significance (2). Last evaluated 2025-08-11.

Allele frequency attached by ClinVar (database versions not stated): gnomAD exomes below 0.00001.
gnomAD v4.1: 1 of 1,614,190 alleles (0.000062%); highest among the groups gnomAD compares: South Asian, 0.0011%; no homozygotes.

Submissions (2):

Labcorp Genetics (formerly Invitae), Labcorp
Classification: Uncertain significance. Last evaluated: 2025-08-11. Review status: criteria provided, single submitter. Criteria: Invitae Variant Classification Sherloc (09022015). Collection method: clinical testing. Allele origin: germline.
Comment: This sequence change replaces threonine, which is neutral and polar, with methionine, which is neutral and non-polar, at codon 1052 of the POLE protein (p.Thr1052Met). This variant is not present in population databases (gnomAD no frequency). This variant has not been reported in the literature in individuals affected with POLE-related conditions. ClinVar contains an entry for this variant (Variation ID: 840930). Invitae Evidence Modeling of protein sequence and biophysical properties (such as structural, functional, and spatial information, amino acid conservation, physicochemical variation, residue mobility, and thermodynamic stability) indicates that this missense variant is not expected to disrupt POLE protein function with a negative predictive value of 80%. In summary, the available evidence is currently insufficient to determine the role of this variant in disease. Therefore, it has been classified as a Variant of Uncertain Significance.

GeneDx
Classification: Uncertain significance. Last evaluated: 2020-09-09. Review status: criteria provided, single submitter. Criteria: GeneDx Variant Classification Process June 2021. Collection method: clinical testing. Allele origin: germline. Affected: yes.
Comment: Not observed in large population cohorts (Lek 2016); In silico analysis supports that this missense variant has a deleterious effect on protein structure/function; Observed in individuals with endometrial cancer (Bellone 2015); This variant is associated with the following publications: (PMID: 25931171)

NM_006231.4(POLE):c.3155C>T (p.Thr1052Met)

Gene: POLE (DNA polymerase epsilon, catalytic subunit; minus strand). Cytogenetic location: 12q24.33.
Variant type: single nucleotide variant.
Coding change: c.3155C>T on transcript NM_006231.4 (MANE Select); coding-DNA position 3155, C replaced by T.
Protein change: p.Thr1052Met; replaces threonine 1052 with methionine.
Molecular consequence: missense variant.
Genome position (GRCh38, 1-based): chr12:132,659,415, G>A on the plus strand (C>T on the coding strand, the complement: POLE is on the minus strand). VCF-style: chr12-132659415-G-A. GRCh37 (hg19) VCF-style: chr12-133236001-G-A.
Other names: short protein forms T1052M.
Identifiers: ClinVar variation 840930 (VCV000840930.11), dbSNP rs2042630076, ClinGen allele CA387390909.